The following is an entry in ClinVar:

ClinVar aggregate classification (germline): Uncertain significance (1 of 4 stars; one submission).

Allele frequency attached by ClinVar (database versions not stated): TOPMed 0.00004; ExAC 0.00002; gnomAD exomes 0.00002.
gnomAD v4.1: 32 of 1,613,690 alleles (0.002%); highest among the groups gnomAD compares: Admixed American, 0.012%; no homozygotes.

Submission:

GeneDx
Classification: Uncertain significance. Last evaluated: 2019-04-16. Review status: criteria provided, single submitter. Criteria: GeneDx Variant Classification Process June 2021. Collection method: clinical testing. Allele origin: germline. Affected: yes.
Comment: In silico analysis, which includes protein predictors and evolutionary conservation, supports a deleterious effect; Has not been previously published as pathogenic or benign to our knowledge

NM_001378789.1(CERS3):c.685C>A (p.Arg229Ser)

Gene: CERS3 (ceramide synthase 3; minus strand). Cytogenetic location: 15q26.3.
Variant type: single nucleotide variant.
Coding change: c.685C>A on transcript NM_001378789.1 (MANE Select); coding-DNA position 685, C replaced by A.
Protein change: p.Arg229Ser; replaces arginine 229 with serine.
Molecular consequence: missense variant.
Genome position (GRCh38, 1-based): chr15:100,472,977, G>T on the plus strand (C>A on the coding strand, the complement: CERS3 is on the minus strand). VCF-style: chr15-100472977-G-T. GRCh37 (hg19) VCF-style: chr15-101013182-G-T.
Other names: c.718C>A, p.Arg240Ser (NM_001290341.2); c.685C>A, p.Arg229Ser (NM_001290342.2, NM_001290343.2, NM_178842.5); short protein forms R229S, R240S.
Identifiers: ClinVar variation 1308549 (VCV001308549.2), dbSNP rs758046951, ClinGen allele CA7758972.